The following is an entry in ClinVar:

NM_001375567.1(FOCAD):c.1077A>G (p.Leu359=)

Gene: FOCAD (focadhesin; plus strand). Cytogenetic location: 9p21.3.
Variant type: single nucleotide variant.
Coding change: c.1077A>G on transcript NM_001375567.1 (MANE Select); coding-DNA position 1077, A replaced by G.
Protein change: p.Leu359=; no amino-acid change (leucine 359 retained).
Molecular consequence: synonymous variant.
Genome position (GRCh38, 1-based): chr9:20,781,809, A>G. VCF-style: chr9-20781809-A-G. GRCh37 (hg19) VCF-style: chr9-20781808-A-G.
Other names: c.1077A>G, p.Leu359= (NM_001375568.1, NM_017794.5); c.972A>G, p.Leu324= (NM_001375570.1).
Identifiers: ClinVar variation 3013599 (VCV003013599.3), dbSNP rs759470768, ClinGen allele CA5006602.

ClinVar aggregate classification (germline): Uncertain significance (1 of 4 stars; one submission).

Allele frequency attached by ClinVar (database versions not stated): gnomAD 0.00003; TOPMed 0.00003.
gnomAD v4.1: 24 of 1,613,974 alleles (0.0015%); highest among the groups gnomAD compares: African/African-American, 0.0093%; no homozygotes.

Submission:

Labcorp Genetics (formerly Invitae), Labcorp
Classification: Uncertain significance. Last evaluated: 2023-12-18. Review status: criteria provided, single submitter. Criteria: Invitae Variant Classification Sherloc (09022015). Collection method: clinical testing. Allele origin: germline.
Comment: This sequence change affects codon 359 of the FOCAD mRNA. It is a 'silent' change, meaning that it does not change the encoded amino acid sequence of the FOCAD protein. This variant is present in population databases (rs759470768, gnomAD 0.01%). This variant has not been reported in the literature in individuals affected with FOCAD-related conditions. Experimental studies and prediction algorithms are not available or were not evaluated, and the effect of this variant on mRNA splicing is currently unknown. In summary, the available evidence is currently insufficient to determine the role of this variant in disease. Therefore, it has been classified as a Variant of Uncertain Significance.